The following is an entry in ClinVar:

ClinVar aggregate classification (germline): Uncertain significance (1 of 4 stars; one submission).

Submission:

GeneDx
Classification: Uncertain significance. Last evaluated: 2023-11-09. Review status: criteria provided, single submitter. Criteria: GeneDx Variant Classification Process June 2021. Collection method: clinical testing. Allele origin: germline. Affected: yes.
Comment: Frameshift variant predicted to result in abnormal protein length as the last 48 amino acids are replaced with 10 different amino acids in a gene for which loss-of-function is not an established mechanism of disease; Not observed at significant frequency in large population cohorts (gnomAD); Has not been previously published as pathogenic or benign to our knowledge

NM_001393504.1(MAST3):c.3898_3899del (p.Ser1300fs)

Gene: MAST3 (microtubule associated serine/threonine kinase 3; plus strand). Cytogenetic location: 19p13.11.
Variant type: Deletion.
Coding change: c.3898_3899del on transcript NM_001393504.1 (MANE Select); coding-DNA positions 3898 to 3899, 2 bases deleted (TC; older notation c.3898_3899delTC).
Protein change: p.Ser1300fs; shifts the reading frame from serine 1300.
Molecular consequence: frameshift variant.
Genome position (GRCh38, 1-based): chr19:18,149,580-18,149,581, TC deleted; deleting any 2 consecutive bases within chr19:18,149,579-18,149,581 gives the same sequence; the c. name uses the placement nearest the transcript's 3' end. VCF-style (leftmost placement, unchanged base first): chr19-18149578-ACT-A. GRCh37 (hg19) VCF-style: chr19-18260388-ACT-A.
Other names: c.3922_3923del, p.Ser1308fs (NM_001393501.1); c.3901_3902del, p.Ser1301fs (NM_001393502.1); c.3898_3899del, p.Ser1300fs (NM_001393503.1); c.3868_3869del, p.Ser1290fs (NM_001393505.1); c.3850_3851del, p.Ser1284fs (NM_001393506.1, NM_001393507.1); c.3832_3833del, p.Ser1278fs (NM_001393508.1); c.3829_3830del, p.Ser1277fs (NM_001393509.1, NM_001393510.1); c.3826_3827del, p.Ser1276fs (NM_001393511.1, NM_001393512.1); and 9 more; short protein forms S1253fs, S1261fs, S1262fs, S1267fs, S1268fs, S1269fs, S1270fs, S1271fs.
Identifiers: ClinVar variation 3364273 (VCV003364273.1).